The following is an entry in ClinVar:

NM_145038.5(DRC1):c.1660C>T (p.Arg554Ter)

Gene: DRC1 (dynein regulatory complex subunit 1; plus strand). Cytogenetic location: 2p23.3.
Variant type: single nucleotide variant.
Coding change: c.1660C>T on transcript NM_145038.5 (MANE Select); coding-DNA position 1660, C replaced by T.
Protein change: p.Arg554Ter; replaces arginine 554 with a stop codon.
Molecular consequence: nonsense.
Genome position (GRCh38, 1-based): chr2:26,450,652, C>T. VCF-style: chr2-26450652-C-T. GRCh37 (hg19) VCF-style: chr2-26673520-C-T.
Other names: short protein forms R554*.
Identifiers: ClinVar variation 2443827 (VCV002443827.2), dbSNP rs927408361, ClinGen allele CA44400013.

ClinVar aggregate classification (germline): Pathogenic. Review status: criteria provided, single submitter (1 of 4 stars). 2 submissions from 2 submitters: Pathogenic (1). 1 of the submissions does not count toward it. Last evaluated 2025-09-09.

Conditions:
Primary ciliary dyskinesia. Also called: Ciliary dyskinesia. Identifiers: Orphanet 244, MedGen C0008780, MONDO:0016575, HP:0012265.
Spermatogenic failure 80 (SPGF80). Identifiers: MedGen C5774301, MONDO:0859364, OMIM 620222.

Allele frequency attached by ClinVar (database versions not stated): TOPMed 0.00001.
gnomAD v4.1: 7 of 1,607,988 alleles (0.00044%); highest among the groups gnomAD compares: Non-Finnish European, 0.00059%; no homozygotes.

Submissions (2):

Labcorp Genetics (formerly Invitae), Labcorp
Classification: Pathogenic for Primary ciliary dyskinesia. Last evaluated: 2025-09-09. Review status: criteria provided, single submitter. Criteria: Invitae Variant Classification Sherloc (09022015). Collection method: clinical testing. Allele origin: germline.
Comment: This sequence change creates a premature translational stop signal (p.Arg554*) in the DRC1 gene. It is expected to result in an absent or disrupted protein product. Loss-of-function variants in DRC1 are known to be pathogenic (PMID: 23354437, 31960620). This variant is not present in population databases (gnomAD no frequency). This premature translational stop signal has been observed in individual(s) with multiple morphological abnormalities of the sperm flagella (PMID: 34169321). ClinVar contains an entry for this variant (Variation ID: 2443827). Algorithms developed to predict the effect of variants on gene product structure and function are not available or were not evaluated for this variant. Experimental studies have shown that this premature translational stop signal affects DRC1 function (PMID: 34169321). Algorithms developed to predict the effect of sequence changes on RNA splicing suggest that this variant may disrupt the consensus splice site. For these reasons, this variant has been classified as Pathogenic.

OMIM
Classification: Pathogenic for SPERMATOGENIC FAILURE 80. Last evaluated: 2023-01-25. Review status: no assertion criteria provided. Collection method: literature only. Allele origin: germline. Not counted in ClinVar's aggregate classification.

Literature cited by the submitters: PubMed 23354437 (cited by Labcorp Genetics (formerly Invitae), Labcorp); PubMed 31960620 (cited by Labcorp Genetics (formerly Invitae), Labcorp); PubMed 34169321 (cited by Labcorp Genetics (formerly Invitae), Labcorp and OMIM).